The following is an entry in ClinVar:

NM_021020.5(LZTS1):c.1283G>T (p.Gly428Val)

Gene: LZTS1 (leucine zipper tumor suppressor 1; minus strand). Cytogenetic location: 8p21.3.
Variant type: single nucleotide variant.
Coding change: c.1283G>T on transcript NM_021020.5 (MANE Select); coding-DNA position 1283, G replaced by T.
Protein change: p.Gly428Val; replaces glycine 428 with valine.
Molecular consequence: missense variant.
Genome position (GRCh38, 1-based): chr8:20,250,230, C>A on the plus strand (G>T on the coding strand, the complement: LZTS1 is on the minus strand). VCF-style: chr8-20250230-C-A. GRCh37 (hg19) VCF-style: chr8-20107741-C-A.
Other names: c.1283G>T, p.Gly428Val (NM_001362884.2); short protein forms G428V.
Identifiers: ClinVar variation 4746595 (VCV004746595.1).
Genomic context (GRCh38, chr8:20,250,230, plus strand): 5'-TCCAGCTCCAGGCCCTTGGTGCGCAGGGCGCCCTCCAGGTCCTGGGTCCTCAGCTCCAGG[C>A]CCTCCAGCTTGCCCCGCGTGTCCTTCAGCTGTGCCTTGAGACCCAGGATCTCGCTAGCCT-3'
Protein context (NP_066300.1, residues 418-438): QLKDTRGKLE[Gly428Val]LELRTQDLEG

ClinVar aggregate classification (germline): Uncertain significance (1 of 4 stars; one submission).

Submission:

Labcorp Genetics (formerly Invitae), Labcorp
Classification: Uncertain significance. Last evaluated: 2025-10-25. Review status: criteria provided, single submitter. Criteria: Invitae Variant Classification Sherloc (09022015). Collection method: clinical testing. Allele origin: germline.
Comment: This sequence change replaces glycine, which is neutral and non-polar, with valine, which is neutral and non-polar, at codon 428 of the LZTS1 protein (p.Gly428Val). This variant is not present in population databases (gnomAD no frequency). This variant has not been reported in the literature in individuals affected with LZTS1-related conditions. Invitae Evidence Modeling of protein sequence and biophysical properties (such as structural, functional, and spatial information, amino acid conservation, physicochemical variation, residue mobility, and thermodynamic stability) indicates that this missense variant is not expected to disrupt LZTS1 protein function with a negative predictive value of 80%. In summary, the available evidence is currently insufficient to determine the role of this variant in disease. Therefore, it has been classified as a Variant of Uncertain Significance.